The following is an entry in ClinVar:

NM_000273.3(GPR143):c.1A>G (p.Met1Val)

Gene: GPR143 (G protein-coupled receptor 143; minus strand). Cytogenetic location: Xp22.2.
Variant type: single nucleotide variant.
Coding change: c.1A>G on transcript NM_000273.3 (MANE Select); coding-DNA position 1, A replaced by G.
Protein change: p.Met1Val; changes the start codon (methionine 1).
Molecular consequence: missense variant, initiator codon variant.
Genome position (GRCh38, 1-based): chrX:9,765,817, T>C on the plus strand (A>G on the coding strand, the complement: GPR143 is on the minus strand). VCF-style: chrX-9765817-T-C. GRCh37 (hg19) VCF-style: chrX-9733857-T-C.
Other names: short protein forms M1V.
Identifiers: ClinVar variation 1452017 (VCV001452017.6), dbSNP rs2146706095, ClinGen allele CA412001100.

ClinVar aggregate classification (germline): Pathogenic (1 of 4 stars; one submission).

Allele frequency attached by ClinVar (database versions not stated): gnomAD exomes below 0.00001.

Submission:

Labcorp Genetics (formerly Invitae), Labcorp
Classification: Pathogenic. Last evaluated: 2025-05-29. Review status: criteria provided, single submitter. Criteria: Invitae Variant Classification Sherloc (09022015). Collection method: clinical testing. Allele origin: germline.
Comment: This sequence change affects the initiator codon of the GPR143 mRNA. This change may impact translation initiation or efficiency. The next in-frame methionine is located at codon 85. This variant is not present in population databases (gnomAD no frequency). Disruption of the initiator codon has been observed in individual(s) with ocular albinism (PMID: 31106028). ClinVar contains an entry for this variant (Variation ID: 1452017). This variant disrupts a region of the GPR143 protein in which other variant(s) (p.Gly84Asp) have been determined to be pathogenic (PMID: 8634705, 11115845, 12868035, 31574285). This suggests that this is a clinically significant region of the protein, and that variants that disrupt it are likely to be disease-causing. For these reasons, this variant has been classified as Pathogenic.

Literature cited by the submitters: PubMed 31106028; PubMed 8634705; PubMed 11115845; PubMed 12868035; PubMed 31574285.